The following is an entry in ClinVar:

NM_002968.3(SALL1):c.592G>A (p.Glu198Lys)

Gene: SALL1 (spalt like transcription factor 1; minus strand). Cytogenetic location: 16q12.1.
Variant type: single nucleotide variant.
Coding change: c.592G>A on transcript NM_002968.3 (MANE Select); coding-DNA position 592, G replaced by A.
Protein change: p.Glu198Lys; replaces glutamic acid 198 with lysine.
Molecular consequence: missense variant.
Genome position (GRCh38, 1-based): chr16:51,141,630, C>T on the plus strand (G>A on the coding strand, the complement: SALL1 is on the minus strand). VCF-style: chr16-51141630-C-T. GRCh37 (hg19) VCF-style: chr16-51175541-C-T.
Other names: c.301G>A, p.Glu101Lys (NM_001127892.2); short protein forms E101K, E198K.
Identifiers: ClinVar variation 1210982 (VCV001210982.3), dbSNP rs372343403, ClinGen allele CA8053425.
Genomic context (GRCh38, chr16:51,141,630, plus strand): 5'-CGCCGCACCTCGCTTCCTGGGAGAACTGGGCCACCGCCACCTTGGTGCTCTGGAGGTTCT[C>T]GATGATGACGTTGCTGTTGATTACGGAGAAGTTGCCCAGTGTTGTCAGGTCCCCGAGTTG-3'
Protein context (NP_002959.2, residues 188-208): FSVINSNVII[Glu198Lys]NLQSTKVAVA

ClinVar aggregate classification (germline): Uncertain significance (1 of 4 stars; one submission).

Allele frequency attached by ClinVar (database versions not stated): gnomAD exomes below 0.00001; ExAC 0.00001; gnomAD 0.00001; TOPMed 0.00001; ESP Exome Variant Server 0.00008.

Submission:

GeneDx
Classification: Uncertain significance. Last evaluated: 2020-11-17. Review status: criteria provided, single submitter. Criteria: GeneDx Variant Classification Process June 2021. Collection method: clinical testing. Allele origin: germline. Affected: yes.
Comment: In silico analysis supports that this missense variant has a deleterious effect on protein structure/function; Has not been previously published as pathogenic or benign to our knowledge